The following is an entry in ClinVar:

ClinVar aggregate classification (germline): Likely benign (1 of 4 stars; one submission).

Allele frequency attached by ClinVar (database versions not stated): ExAC 0.00015; gnomAD exomes 0.00088; gnomAD 0.00141; ESP Exome Variant Server 0.00443.

Submission:

CeGaT Center for Human Genetics Tuebingen
Classification: Likely benign. Last evaluated: 2023-04-01. Review status: criteria provided, single submitter. Criteria: CeGaT Center For Human Genetics Tuebingen Variant Classification Criteria Version 2. Collection method: clinical testing. Allele origin: germline. Affected: yes. Observed: 1 variant allele.
Comment: VCX3A: BP4, BS2

NM_016379.4(VCX3A):c.354C>T (p.Ser118=)

Genes: VCX3A (variable charge X-linked 3A; minus strand), LOC106029240 (S232-VCX3A recombination region; plus strand). Cytogenetic location: Xp22.31.
Variant type: single nucleotide variant.
Coding change: c.354C>T on transcript NM_016379.4 (MANE Select); coding-DNA position 354, C replaced by T.
Protein change: p.Ser118=; no amino-acid change (serine 118 retained).
Molecular consequence: synonymous variant.
Genome position (GRCh38, 1-based): chrX:6,533,952, G>A on the plus strand (C>T on the coding strand, the complement: VCX3A is on the minus strand). VCF-style: chrX-6533952-G-A. GRCh37 (hg19) VCF-style: chrX-6451993-G-A.
Identifiers: ClinVar variation 2659909 (VCV002659909.24), dbSNP rs201071379, ClinGen allele CA10341595.